The following is an entry in ClinVar:

ClinVar aggregate classification (germline): Uncertain significance (1 of 4 stars; one submission).

gnomAD v4.1: 1 of 1,614,118 alleles (0.000062%); highest among the groups gnomAD compares: East Asian, 0.0022%; no homozygotes.

Submission:

GeneDx
Classification: Uncertain significance. Last evaluated: 2024-01-20. Review status: criteria provided, single submitter. Criteria: GeneDx Variant Classification Process June 2021. Collection method: clinical testing. Allele origin: germline. Affected: yes.
Comment: Not observed at significant frequency in large population cohorts (gnomAD); In silico analysis supports that this missense variant does not alter protein structure/function; Has not been previously published as pathogenic or benign to our knowledge

NM_002693.3(POLG):c.2506C>G (p.Leu836Val)

Gene: POLG (DNA polymerase gamma, catalytic subunit; minus strand). Cytogenetic location: 15q26.1.
Variant type: single nucleotide variant.
Coding change: c.2506C>G on transcript NM_002693.3 (MANE Select); coding-DNA position 2506, C replaced by G.
Protein change: p.Leu836Val; replaces leucine 836 with valine.
Molecular consequence: missense variant.
Genome position (GRCh38, 1-based): chr15:89,321,828, G>C on the plus strand (C>G on the coding strand, the complement: POLG is on the minus strand). VCF-style: chr15-89321828-G-C. GRCh37 (hg19) VCF-style: chr15-89865059-G-C.
Other names: c.2506C>G, p.Leu836Val (NM_001126131.2); short protein forms L836V.
Identifiers: ClinVar variation 3368005 (VCV003368005.1).